The following is an entry in ClinVar:

NM_003489.4(NRIP1):c.3470_3475del (p.Ser1157_Glu1158del)

Gene: NRIP1 (nuclear receptor interacting protein 1; minus strand). Cytogenetic location: 21q11.2.
Variant type: Deletion.
Coding change: c.3470_3475del on transcript NM_003489.4 (MANE Select); coding-DNA positions 3470 to 3475, 6 bases deleted (CAGAAT; older notation c.3470_3475delCAGAAT).
Protein change: p.Ser1157_Glu1158del.
Molecular consequence: inframe deletion.
Genome position (GRCh38, 1-based): chr21:14,964,718-14,964,723, ATTCTG deleted on the plus strand (CAGAAT on the coding strand, the reverse complement: NRIP1 is on the minus strand); deleting any 6 consecutive bases within chr21:14,964,718-14,964,728 gives the same sequence; the c. name uses the placement nearest the transcript's 3' end. VCF-style (leftmost placement, unchanged base first): chr21-14964717-TATTCTG-T. GRCh37 (hg19) VCF-style: chr21-16337038-TATTCTG-T.
Other names: c.3470_3475del, p.Ser1157_Glu1158del (NM_001439275.1, NM_001439276.1, NM_001439277.1 and 10 more transcripts).
Identifiers: ClinVar variation 5006408 (VCV005006408.2).

ClinVar aggregate classification (germline): Uncertain significance (1 of 4 stars; one submission).

Conditions:
Congenital anomalies of kidney and urinary tract 3. Identifiers: MedGen C4748921, MONDO:0032646, OMIM 618270.

Submission:

Juno Genomics, Hangzhou Juno Genomics, Inc
Classification: Uncertain significance for Congenital anomalies of kidney and urinary tract 3. Review status: criteria provided, single submitter. Criteria: ACMG Guidelines, 2015. Collection method: clinical testing. Allele origin: germline.
Comment: Protein length changes due to in-frame deletions/insertions in a non-repeat region or stop-loss variants.;Absent from controls (or at extremely low frequency if recessive) in Genome Aggregation Database.